The following is an entry in ClinVar:

NM_001267550.2(TTN):c.40223-208G>T

Gene: TTN (titin; minus strand). Cytogenetic location: 2q31.2.
Variant type: single nucleotide variant.
Coding change: c.40223-208G>T on transcript NM_001267550.2 (MANE Select); 208 bases into the intron before coding-DNA position 40223, G replaced by T.
Molecular consequence: intron variant.
Genome position (GRCh38, 1-based): chr2:178,646,767, C>A on the plus strand (G>T on the coding strand, the complement: TTN is on the minus strand). VCF-style: chr2-178646767-C-A. GRCh37 (hg19) VCF-style: chr2-179511494-C-A.
Other names: c.13283-4450G>T (NM_003319.4); c.13859-4450G>T (NM_133437.4); c.13658-4450G>T (NM_133432.3); c.32594-737G>T (NM_133378.4); c.35375-737G>T (NM_001256850.1).
Identifiers: ClinVar variation 675384 (VCV000675384.1), dbSNP rs147788301, ClinGen allele CA60964588.
Genomic context (GRCh38, chr2:178,646,767, plus strand): 5'-AAGAAAAAGTTCTTTTACTTGAACTGCCTATTAATTAGATTATTCAATGTATATTGATGG[C>A]AAATGAGATGACTTTTAAAATTTGATACCGTGTTATCATTTGAGGATCCAAGGCAATTAT-3'

ClinVar aggregate classification (germline): Likely benign (1 of 4 stars; one submission).

Allele frequency attached by ClinVar (database versions not stated): gnomAD 0.00726 and 0.00778; TOPMed 0.00838; 1000 Genomes Project 0.00958; 1000 Genomes Project 30x 0.01031.
gnomAD v4.1: 1,093 of 152,020 alleles (0.72%); highest among the groups gnomAD compares: African/African-American, 2.5%; 14 homozygotes.

Submission:

GeneDx
Classification: Likely benign. Last evaluated: 2018-06-14. Review status: criteria provided, single submitter. Criteria: GeneDx Variant Classification (06012015). Collection method: clinical testing. Allele origin: germline. Affected: yes.
Comment: This variant is considered likely benign or benign based on one or more of the following criteria: it is a conservative change, it occurs at a poorly conserved position in the protein, it is predicted to be benign by multiple in silico algorithms, and/or has population frequency not consistent with disease.